The following is an entry in ClinVar:

ClinVar aggregate classification (germline): Pathogenic. Review status: criteria provided, multiple submitters, no conflicts (2 of 4 stars). 2 submissions from 2 submitters: Pathogenic (2). Last evaluated 2024-06-10.

Conditions:
Familial cancer of breast. Also called: hereditary breast carcinoma; BREAST CANCER, FAMILIAL; Hereditary breast cancer. Identifiers: Orphanet 227535, MedGen C0346153, MONDO:0016419, OMIM 114480. Disease mechanism: loss of function.
Fanconi anemia complementation group J. Also called: BRIP1-Related Fanconi Anemia. Identifiers: Orphanet 84, MedGen C1836860, MONDO:0012187, OMIM 609054.
Hereditary cancer-predisposing syndrome. Also called: Hereditary Cancer Syndrome; Hereditary neoplastic syndrome; Tumor predisposition; Neoplastic Syndromes, Hereditary. Identifiers: Orphanet 140162, MedGen C0027672, MeSH D009386, MONDO:0015356.

Submissions (2):

Ambry Genetics
Classification: Pathogenic for Hereditary cancer-predisposing syndrome. Last evaluated: 2024-06-10. Review status: criteria provided, single submitter. Criteria: Ambry Variant Classification Scheme 2023. Collection method: clinical testing. Allele origin: germline.
Comment: The p.W558* pathogenic mutation (also known as c.1674G>A), located in coding exon 11 of the BRIP1 gene, results from a G to A substitution at nucleotide position 1674. This changes the amino acid from a tryptophan to a stop codon within coding exon 11. This alteration has been reported with a carrier frequency of 1 in 7636 unselected prostate cancer patients and 0 in 12366 male controls of Japanese ancestry (Momozawa Y et al. J Natl Cancer Inst, 2020 Apr;112:369-376). This variant is considered to be rare based on population cohorts in the Genome Aggregation Database (gnomAD). In addition to the clinical data presented in the literature, this alteration is expected to result in loss of function by premature protein truncation or nonsense-mediated mRNA decay. As such, this alteration is interpreted as a disease-causing mutation.

Labcorp Genetics (formerly Invitae), Labcorp
Classification: Pathogenic for Familial cancer of breast; Fanconi anemia complementation group J. Last evaluated: 2020-12-24. Review status: criteria provided, single submitter. Criteria: Invitae Variant Classification Sherloc (09022015). Collection method: clinical testing. Allele origin: germline.
Comment: This sequence change creates a premature translational stop signal (p.Trp558*) in the BRIP1 gene. It is expected to result in an absent or disrupted protein product. Loss-of-function variants in BRIP1 are known to be pathogenic (PMID: 16116423, 17033622, 21964575). This variant is not present in population databases (ExAC no frequency). This variant has not been reported in the literature in individuals with BRIP1-related conditions. For these reasons, this variant has been classified as Pathogenic.

Literature cited by the submitters: PubMed 31214711 (cited by Ambry Genetics); PubMed 16116423 (cited by Labcorp Genetics (formerly Invitae), Labcorp); PubMed 17033622 (cited by Labcorp Genetics (formerly Invitae), Labcorp); PubMed 21964575 (cited by Labcorp Genetics (formerly Invitae), Labcorp).

NM_032043.3(BRIP1):c.1674G>A (p.Trp558Ter)

Gene: BRIP1 (BRCA1 interacting DNA helicase 1; minus strand). Cytogenetic location: 17q23.2.
Variant type: single nucleotide variant.
Coding change: c.1674G>A on transcript NM_032043.3 (MANE Select); coding-DNA position 1674, G replaced by A.
Protein change: p.Trp558Ter; replaces tryptophan 558 with a stop codon.
Molecular consequence: nonsense.
Genome position (GRCh38, 1-based): chr17:61,780,960, C>T on the plus strand (G>A on the coding strand, the complement: BRIP1 is on the minus strand). VCF-style: chr17-61780960-C-T. GRCh37 (hg19) VCF-style: chr17-59858321-C-T.
Other names: c.1674G>A (NM_032043.2); short protein forms W558*.
Identifiers: ClinVar variation 1455490 (VCV001455490.8), dbSNP rs2145095898, ClinGen allele CA400480495.